The following is an entry in ClinVar:

NM_001261826.3(AP3D1):c.2001+10T>A

Gene: AP3D1 (adaptor related protein complex 3 subunit delta 1; minus strand). Cytogenetic location: 19p13.3.
Variant type: single nucleotide variant.
Coding change: c.2001+10T>A on transcript NM_001261826.3 (MANE Select); 10 bases into the intron after coding-DNA position 2001, T replaced by A.
Molecular consequence: intron variant.
Genome position (GRCh38, 1-based): chr19:2,116,595, A>T on the plus strand (T>A on the coding strand, the complement: AP3D1 is on the minus strand). VCF-style: chr19-2116595-A-T. GRCh37 (hg19) VCF-style: chr19-2116594-A-T.
Other names: p.?; c.2001+10T>A (NM_003938.8, NM_001374799.1, NM_001261826.1).
Identifiers: ClinVar variation 1594069 (VCV001594069.12), dbSNP rs774422475, ClinGen allele CA9059090.

ClinVar aggregate classification (germline): Likely benign. Review status: criteria provided, multiple submitters, no conflicts (2 of 4 stars). 4 submissions from 4 submitters: Likely benign (3). 1 of the submissions does not count toward it. Last evaluated 2026-01-04.

Conditions:
AP3D1-related disorder. Also called: AP3D1-related condition.

Allele frequency attached by ClinVar (database versions not stated): gnomAD 0.00014 and 0.00016; gnomAD exomes 0.00019 and 0.00020; TOPMed 0.00019; ExAC 0.00030.
gnomAD v4.1: 307 of 1,581,294 alleles (0.019%); highest among the groups gnomAD compares: Middle Eastern, 0.16%; 1 homozygote.

Submissions (4):

Labcorp Genetics (formerly Invitae), Labcorp
Classification: Likely benign. Last evaluated: 2026-01-04. Review status: criteria provided, single submitter. Criteria: Invitae Variant Classification Sherloc (09022015). Collection method: clinical testing. Allele origin: germline.

Mayo Clinic Laboratories, Mayo Clinic
Classification: Likely benign. Last evaluated: 2025-10-23. Review status: criteria provided, single submitter. Criteria: ACMG Guidelines, 2015. Collection method: clinical testing. Allele origin: germline. Observed: 3 variant alleles.
Comment: BP4, BP7

Blueprint Genetics
Classification: Likely benign. Last evaluated: 2024-10-29. Review status: criteria provided, single submitter. Criteria: ACMG Guidelines, 2015. Collection method: clinical testing. Allele origin: germline.

PreventionGenetics, part of Exact Sciences
Classification: Likely benign for AP3D1-related condition. Last evaluated: 2019-04-03. Review status: no assertion criteria provided. Collection method: clinical testing. Allele origin: germline. Not counted in ClinVar's aggregate classification.
Comment: This variant is classified as likely benign based on ACMG/AMP sequence variant interpretation guidelines (Richards et al. 2015 PMID: 25741868, with internal and published modifications).